The following is an entry in ClinVar:

ClinVar aggregate classification (germline): Uncertain significance. Review status: criteria provided, multiple submitters, no conflicts (2 of 4 stars). 3 submissions from 3 submitters: Uncertain significance (2). 1 of the submissions does not count toward it. Last evaluated 2022-07-05.

Conditions:
Hyperaldosteronism, familial, type IV (HALD4). Also called: FH IV; ALDOSTERONISM, PRIMARY, AND HYPERTENSION. Identifiers: Orphanet 642671, MedGen C4310756, MONDO:0014875, OMIM 617027.
Idiopathic generalized epilepsy. Also called: Generalised epilepsy; EIG. Identifiers: MedGen C0270850, MONDO:0005579, OMIM 600669.
CACNA1H-related disorder.

Allele frequency attached by ClinVar (database versions not stated): gnomAD 0.00001; gnomAD exomes 0.00001; ExAC 0.00002; TOPMed 0.00002; 1000 Genomes Project 30x 0.00016; 1000 Genomes Project 0.00020.
gnomAD v4.1: 11 of 1,557,292 alleles (0.00071%); highest among the groups gnomAD compares: South Asian, 0.0025%; no homozygotes.

Submissions (3):

Labcorp Genetics (formerly Invitae), Labcorp
Classification: Uncertain significance for Idiopathic generalized epilepsy; Hyperaldosteronism, familial, type IV. Last evaluated: 2022-07-05. Review status: criteria provided, single submitter. Criteria: Invitae Variant Classification Sherloc (09022015). Collection method: clinical testing. Allele origin: germline.
Comment: In summary, the available evidence is currently insufficient to determine the role of this variant in disease. Therefore, it has been classified as a Variant of Uncertain Significance. Algorithms developed to predict the effect of missense changes on protein structure and function are either unavailable or do not agree on the potential impact of this missense change (SIFT: "Deleterious"; PolyPhen-2: "Probably Damaging"; Align-GVGD: "Class C0"). ClinVar contains an entry for this variant (Variation ID: 529552). This variant has not been reported in the literature in individuals affected with CACNA1H-related conditions. This variant is present in population databases (rs183042575, gnomAD 0.002%). This sequence change replaces arginine, which is basic and polar, with cysteine, which is neutral and slightly polar, at codon 797 of the CACNA1H protein (p.Arg797Cys).

GeneDx
Classification: Uncertain significance. Last evaluated: 2022-05-20. Review status: criteria provided, single submitter. Criteria: GeneDx Variant Classification Process June 2021. Collection method: clinical testing. Allele origin: germline. Affected: yes.
Comment: Not observed at significant frequency in large population cohorts (gnomAD); In silico analysis supports that this missense variant has a deleterious effect on protein structure/function; Has not been previously published as pathogenic or benign to our knowledge

PreventionGenetics, part of Exact Sciences
Classification: Uncertain significance for CACNA1H-related condition. Last evaluated: 2024-08-13. Review status: no assertion criteria provided. Collection method: clinical testing. Allele origin: germline. Not counted in ClinVar's aggregate classification.
Comment: The CACNA1H c.2389C>T variant is predicted to result in the amino acid substitution p.Arg797Cys. To our knowledge, this variant has not been reported in the literature. This variant is reported in 0.0021% of alleles in individuals of European (non-Finnish) descent in gnomAD. At this time, the clinical significance of this variant is uncertain due to the absence of conclusive functional and genetic evidence.

NM_021098.3(CACNA1H):c.2389C>T (p.Arg797Cys)

Gene: CACNA1H (calcium voltage-gated channel subunit alpha1 H; plus strand). Cytogenetic location: 16p13.3.
Variant type: single nucleotide variant.
Coding change: c.2389C>T on transcript NM_021098.3 (MANE Select); coding-DNA position 2389, C replaced by T.
Protein change: p.Arg797Cys; replaces arginine 797 with cysteine.
Molecular consequence: missense variant.
Genome position (GRCh38, 1-based): chr16:1,204,396, C>T. VCF-style: chr16-1204396-C-T. GRCh37 (hg19) VCF-style: chr16-1254396-C-T.
Other names: c.2389C>T, p.Arg797Cys (NM_001005407.2); short protein forms R797C.
Identifiers: ClinVar variation 529552 (VCV000529552.13), dbSNP rs183042575, ClinGen allele CA7800228.
Genomic context (GRCh38, chr16:1,204,396, plus strand): 5'-CGCCTCTGGGTTACCTTCAGCGGCAAGCTGCGCCGCATCGTGGACAGCAAGTACTTCAGC[C>T]GTGGCATCATGATGGCCATCCTTGTCAACACGCTGAGCATGGGCGTGGAGTACCATGAGC-3'
Protein context (NP_066921.2, residues 787-807): RRIVDSKYFS[Arg797Cys]GIMMAILVNT